The following is an entry in ClinVar:

NM_016284.5(CNOT1):c.5521G>C (p.Glu1841Gln)

Gene: CNOT1 (CCR4-NOT transcription complex subunit 1; minus strand). Cytogenetic location: 16q21.
Variant type: single nucleotide variant.
Coding change: c.5521G>C on transcript NM_016284.5 (MANE Select); coding-DNA position 5521, G replaced by C.
Protein change: p.Glu1841Gln; replaces glutamic acid 1841 with glutamine.
Molecular consequence: missense variant. On other transcripts: non-coding transcript variant (1).
Genome position (GRCh38, 1-based): chr16:58,537,114, C>G on the plus strand (G>C on the coding strand, the complement: CNOT1 is on the minus strand). VCF-style: chr16-58537114-C-G. GRCh37 (hg19) VCF-style: chr16-58571018-C-G.
Other names: c.5506G>C, p.Glu1836Gln (NM_001265612.2); short protein forms E1836Q, E1841Q.
Identifiers: ClinVar variation 4085945 (VCV004085945.8).

ClinVar aggregate classification (germline): Uncertain significance (1 of 4 stars; one submission).

Submission:

CeGaT Center for Human Genetics Tuebingen
Classification: Uncertain significance. Last evaluated: 2025-08-01. Review status: criteria provided, single submitter. Criteria: CeGaT Center For Human Genetics Tuebingen Variant Classification Criteria Version 2. Collection method: clinical testing. Allele origin: germline. Affected: yes. Observed: 1 variant allele.
Comment: CNOT1: PM2, PP2